The following is an entry in ClinVar:

NM_001201543.2(FAM161A):c.302A>G (p.Glu101Gly)

Gene: FAM161A (FAM161 centrosomal protein A; minus strand). Cytogenetic location: 2p15.
Variant type: single nucleotide variant.
Coding change: c.302A>G on transcript NM_001201543.2 (MANE Select); coding-DNA position 302, A replaced by G.
Protein change: p.Glu101Gly; replaces glutamic acid 101 with glycine.
Molecular consequence: missense variant. On other transcripts: non-coding transcript variant (1).
Genome position (GRCh38, 1-based): chr2:61,842,242, T>C on the plus strand (A>G on the coding strand, the complement: FAM161A is on the minus strand). VCF-style: chr2-61842242-T-C. GRCh37 (hg19) VCF-style: chr2-62069377-T-C.
Other names: c.302A>G, p.Glu101Gly (NM_032180.3); c.302A>G (NM_001201543.1); short protein forms E101G.
Identifiers: ClinVar variation 1041762 (VCV001041762.5), dbSNP rs756780634, ClinGen allele CA48478681.

ClinVar aggregate classification (germline): Uncertain significance. Review status: criteria provided, multiple submitters, no conflicts (2 of 4 stars). 4 submissions from 4 submitters: Uncertain significance (3). 1 of the submissions does not count toward it. Last evaluated 2025-09-05.

Conditions:
Retinitis pigmentosa 28 (RP28). Identifiers: Orphanet 791, MedGen C1419614, MONDO:0011630, OMIM 606068.
Inborn genetic diseases. Identifiers: MedGen C0950123, MeSH D030342.

Allele frequency attached by ClinVar (database versions not stated): gnomAD exomes below 0.00001 and 0.00002; TOPMed below 0.00001.
gnomAD v4.1: 26 of 1,613,234 alleles (0.0016%); highest among the groups gnomAD compares: Non-Finnish European, 0.0022%; no homozygotes.

Submissions (4):

Ambry Genetics
Classification: Uncertain significance for Inborn genetic diseases. Last evaluated: 2025-09-05. Review status: criteria provided, single submitter. Criteria: Ambry Variant Classification Scheme 2023. Collection method: clinical testing. Allele origin: germline.

Blueprint Genetics
Classification: Uncertain significance. Last evaluated: 2021-09-26. Review status: criteria provided, single submitter. Criteria: ACMG Guidelines, 2015. Collection method: clinical testing. Allele origin: germline.

Labcorp Genetics (formerly Invitae), Labcorp
Classification: Uncertain significance. Last evaluated: 2021-08-24. Review status: criteria provided, single submitter. Criteria: Invitae Variant Classification Sherloc (09022015). Collection method: clinical testing. Allele origin: germline.
Comment: This sequence change replaces glutamic acid with glycine at codon 101 of the FAM161A protein (p.Glu101Gly). The glutamic acid residue is weakly conserved and there is a moderate physicochemical difference between glutamic acid and glycine. This variant is not present in population databases (ExAC no frequency). This variant has not been reported in the literature in individuals affected with FAM161A-related conditions. Algorithms developed to predict the effect of missense changes on protein structure and function are either unavailable or do not agree on the potential impact of this missense change (SIFT: "Deleterious"; PolyPhen-2: "Probably Damaging"; Align-GVGD: "Class C0"). In summary, the available evidence is currently insufficient to determine the role of this variant in disease. Therefore, it has been classified as a Variant of Uncertain Significance.

Natera, Inc.
Classification: Uncertain significance for Retinitis pigmentosa type 28. Last evaluated: 2020-01-24. Review status: no assertion criteria provided. Collection method: clinical testing. Allele origin: germline. Not counted in ClinVar's aggregate classification.